The following is an entry in ClinVar:

ClinVar aggregate classification (germline): Uncertain significance. Review status: criteria provided, multiple submitters, no conflicts (2 of 4 stars). 2 submissions from 2 submitters: Uncertain significance (2). Last evaluated 2025-06-04.

Conditions:
Inborn genetic diseases. Identifiers: MedGen C0950123, MeSH D030342.

gnomAD v4.1: 34 of 1,613,470 alleles (0.0021%); highest among the groups gnomAD compares: Non-Finnish European, 0.0025%; no homozygotes.

Submissions (2):

Labcorp Genetics (formerly Invitae), Labcorp
Classification: Uncertain significance. Last evaluated: 2025-06-04. Review status: criteria provided, single submitter. Criteria: Invitae Variant Classification Sherloc (09022015). Collection method: clinical testing. Allele origin: germline.
Comment: This sequence change replaces alanine, which is neutral and non-polar, with glycine, which is neutral and non-polar, at codon 834 of the MECOM protein (p.Ala834Gly). This variant is present in population databases (rs368424856, gnomAD 0.01%). This variant has not been reported in the literature in individuals affected with MECOM-related conditions. ClinVar contains an entry for this variant (Variation ID: 3394263). An algorithm developed to predict the effect of missense changes on protein structure and function (PolyPhen-2) suggests that this variant is likely to be disruptive. In summary, the available evidence is currently insufficient to determine the role of this variant in disease. Therefore, it has been classified as a Variant of Uncertain Significance.

Ambry Genetics
Classification: Uncertain significance for Inborn genetic diseases. Last evaluated: 2024-11-21. Review status: criteria provided, single submitter. Criteria: Ambry Variant Classification Scheme 2023. Collection method: clinical testing. Allele origin: germline.
Comment: The p.A1022G variant (also known as c.3065C>G), located in coding exon 14 of the MECOM gene, results from a C to G substitution at nucleotide position 3065. The alanine at codon 1022 is replaced by glycine, an amino acid with similar properties. This amino acid position is conserved. In addition, this alteration is predicted to be tolerated by in silico analysis. Based on the available evidence, the clinical significance of this variant remains unclear.

NM_004991.4(MECOM):c.3065C>G (p.Ala1022Gly)

Gene: MECOM (MDS1 and EVI1 complex locus; minus strand). Cytogenetic location: 3q26.2.
Variant type: single nucleotide variant.
Coding change: c.3065C>G on transcript NM_004991.4 (MANE Select); coding-DNA position 3065, C replaced by G.
Protein change: p.Ala1022Gly; replaces alanine 1022 with glycine.
Molecular consequence: missense variant.
Genome position (GRCh38, 1-based): chr3:169,093,057, G>C on the plus strand (C>G on the coding strand, the complement: MECOM is on the minus strand). VCF-style: chr3-169093057-G-C. GRCh37 (hg19) VCF-style: chr3-168810845-G-C.
Other names: c.2696C>G, p.Ala899Gly (NM_001105077.4); c.2501C>G, p.Ala834Gly (NM_001105078.4, NM_001205194.2, NM_001366469.2 and 1 more transcripts); c.2477C>G, p.Ala826Gly (NM_001163999.2, NM_001366470.2); c.2474C>G, p.Ala825Gly (NM_001164000.2, NM_001366471.2, NM_001366472.2); c.3038C>G, p.Ala1013Gly (NM_001366466.2); c.2504C>G, p.Ala835Gly (NM_001366467.2, NM_001366468.2); c.2066C>G, p.Ala689Gly (NM_001366473.2); c.1502C>G, p.Ala501Gly (NM_001366474.2); short protein forms A826G, A834G, A1013G, A835G, A689G, A1022G, A501G, A825G.
Identifiers: ClinVar variation 3394263 (VCV003394263.3).